The following is an entry in ClinVar:

ClinVar aggregate classification (germline): Uncertain significance (1 of 4 stars; one submission).

Conditions:
Cardiovascular phenotype. Identifiers: MedGen CN230736.

Submission:

Ambry Genetics
Classification: Uncertain significance for Cardiovascular phenotype. Last evaluated: 2024-11-20. Review status: criteria provided, single submitter. Criteria: Ambry Variant Classification Scheme 2023. Collection method: clinical testing. Allele origin: germline.
Comment: The p.K1898E variant (also known as c.5692A>G), located in coding exon 37 of the MYH7 gene, results from an A to G substitution at nucleotide position 5692. The lysine at codon 1898 is replaced by glutamic acid, an amino acid with similar properties. This amino acid position is highly conserved in available vertebrate species. In addition, this alteration is predicted to be deleterious by in silico analysis. Based on the available evidence, the clinical significance of this variant remains unclear.

NM_000257.4(MYH7):c.5692A>G (p.Lys1898Glu)

Gene: MYH7 (myosin heavy chain 7; minus strand). Cytogenetic location: 14q11.2.
Variant type: single nucleotide variant.
Coding change: c.5692A>G on transcript NM_000257.4 (MANE Select); coding-DNA position 5692, A replaced by G.
Protein change: p.Lys1898Glu; replaces lysine 1898 with glutamic acid.
Molecular consequence: missense variant.
Genome position (GRCh38, 1-based): chr14:23,413,857, T>C on the plus strand (A>G on the coding strand, the complement: MYH7 is on the minus strand). VCF-style: chr14-23413857-T-C. GRCh37 (hg19) VCF-style: chr14-23883066-T-C.
Other names: c.5692A>G, p.Lys1898Glu (NM_001407004.1); short protein forms K1898E.
Identifiers: ClinVar variation 3400950 (VCV003400950.1).